The following is an entry in ClinVar:

NM_006996.3(SLC19A2):c.487A>T (p.Ser163Cys)

Gene: SLC19A2 (solute carrier family 19 member 2; minus strand). Cytogenetic location: 1q24.2.
Variant type: single nucleotide variant.
Coding change: c.487A>T on transcript NM_006996.3 (MANE Select); coding-DNA position 487, A replaced by T.
Protein change: p.Ser163Cys; replaces serine 163 with cysteine.
Molecular consequence: missense variant. On other transcripts: intron variant (1).
Genome position (GRCh38, 1-based): chr1:169,477,475, T>A on the plus strand (A>T on the coding strand, the complement: SLC19A2 is on the minus strand). VCF-style: chr1-169477475-T-A. GRCh37 (hg19) VCF-style: chr1-169446713-T-A.
Other names: c.205-7289A>T (NM_001319667.1); short protein forms S163C.
Identifiers: ClinVar variation 293529 (VCV000293529.13), dbSNP rs548333207, ClinGen allele CA1233061.

ClinVar aggregate classification (germline): Uncertain significance. Review status: criteria provided, multiple submitters, no conflicts (2 of 4 stars). 5 submissions from 5 submitters: Uncertain significance (5). Last evaluated 2024-11-20.

Conditions:
Megaloblastic anemia, thiamine-responsive, with diabetes mellitus and sensorineural deafness (TRMA). Also called: THIAMINE METABOLISM DYSFUNCTION SYNDROME 1 (MEGALOBLASTIC ANEMIA, DIABETES MELLITUS, AND DEAFNESS TYPE); Thiamine-Responsive Megaloblastic Anemia Syndrome; ROGERS SYNDROME; THIAMINE-RESPONSIVE ANEMIA SYNDROME; THIAMINE-RESPONSIVE MYELODYSPLASIA. Identifiers: Orphanet 49827, MedGen C0342287, MONDO:0009575, OMIM 249270.

Allele frequency attached by ClinVar (database versions not stated): ExAC 0.00002; gnomAD 0.00003; gnomAD exomes 0.00005 and 0.00008; TOPMed 0.00011; 1000 Genomes Project 30x 0.00016; 1000 Genomes Project 0.00020.

Submissions (5):

Blueprint Genetics
Classification: Uncertain significance. Last evaluated: 2024-11-20. Review status: criteria provided, single submitter. Criteria: ACMG Guidelines, 2015. Collection method: clinical testing. Allele origin: germline.

Fulgent Genetics
Classification: Uncertain significance for Megaloblastic anemia, thiamine-responsive, with diabetes mellitus and sensorineural deafness. Last evaluated: 2022-03-08. Review status: criteria provided, single submitter. Criteria: ACMG Guidelines, 2015. Collection method: clinical testing. Allele origin: unknown.

Labcorp Genetics (formerly Invitae), Labcorp
Classification: Uncertain significance. Last evaluated: 2021-08-31. Review status: criteria provided, single submitter. Criteria: Invitae Variant Classification Sherloc (09022015). Collection method: clinical testing. Allele origin: germline.
Comment: This sequence change replaces serine with cysteine at codon 163 of the SLC19A2 protein (p.Ser163Cys). The serine residue is moderately conserved and there is a moderate physicochemical difference between serine and cysteine. This variant is present in population databases (rs548333207, ExAC 0.02%). This variant has not been reported in the literature in individuals affected with SLC19A2-related conditions. ClinVar contains an entry for this variant (Variation ID: 293529). Algorithms developed to predict the effect of missense changes on protein structure and function are either unavailable or do not agree on the potential impact of this missense change (SIFT: "Deleterious"; PolyPhen-2: "Probably Damaging"; Align-GVGD: "Class C15"). In summary, the available evidence is currently insufficient to determine the role of this variant in disease. Therefore, it has been classified as a Variant of Uncertain Significance.

Illumina Laboratory Services, Illumina
Classification: Uncertain significance for Megaloblastic anemia, thiamine-responsive, with diabetes mellitus and sensorineural deafness. Last evaluated: 2018-01-12. Review status: criteria provided, single submitter. Criteria: ICSL Variant Classification Criteria 13 December 2019. Collection method: clinical testing. Allele origin: germline.

Breakthrough Genomics
Classification: Uncertain significance. Review status: criteria provided, single submitter. Criteria: ACMG Guidelines, 2015. Collection method: not provided. Allele origin: germline. Inheritance: Autosomal recessive inheritance. Affected: yes.